The following is an entry in ClinVar:

ClinVar aggregate classification (germline): Uncertain significance (1 of 4 stars; one submission).

Submission:

GeneDx
Classification: Uncertain significance. Last evaluated: 2022-08-03. Review status: criteria provided, single submitter. Criteria: GeneDx Variant Classification Process June 2021. Collection method: clinical testing. Allele origin: germline. Affected: yes.
Comment: Not observed at significant frequency in large population cohorts (gnomAD); In silico analysis supports that this missense variant has a deleterious effect on protein structure/function; Has not been previously published as pathogenic or benign to our knowledge

NM_205768.3(ZBTB18):c.65G>A (p.Cys22Tyr)

Gene: ZBTB18 (zinc finger and BTB domain containing 18; plus strand). Cytogenetic location: 1q44.
Variant type: single nucleotide variant.
Coding change: c.65G>A on transcript NM_205768.3 (MANE Select); coding-DNA position 65, G replaced by A.
Protein change: p.Cys22Tyr; replaces cysteine 22 with tyrosine.
Molecular consequence: missense variant.
Genome position (GRCh38, 1-based): chr1:244,053,839, G>A. VCF-style: chr1-244053839-G-A. GRCh37 (hg19) VCF-style: chr1-244217141-G-A.
Other names: c.38G>A, p.Cys13Tyr (NM_001278196.2, NM_006352.5); short protein forms C13Y, C22Y.
Identifiers: ClinVar variation 2428827 (VCV002428827.5), dbSNP rs2527554628, ClinGen allele CA345672048.